The following is an entry in ClinVar:

NM_022455.5(NSD1):c.4672T>C (p.Cys1558Arg)

Gene: NSD1 (nuclear receptor binding SET domain protein 1; plus strand). Cytogenetic location: 5q35.3.
Variant type: single nucleotide variant.
Coding change: c.4672T>C on transcript NM_022455.5 (MANE Select); coding-DNA position 4672, T replaced by C.
Protein change: p.Cys1558Arg; replaces cysteine 1558 with arginine.
Molecular consequence: missense variant.
Genome position (GRCh38, 1-based): chr5:177,251,760, T>C. VCF-style: chr5-177251760-T-C. GRCh37 (hg19) VCF-style: chr5-176678761-T-C.
Other names: c.3799T>C, p.Cys1267Arg (NM_001365684.2, NM_001409306.1, NM_001409307.1 and 3 more transcripts); c.4672T>C, p.Cys1558Arg (NM_001409301.1, NM_001409302.1, NM_001409303.1); c.4252T>C, p.Cys1418Arg (NM_001409304.1); c.3919T>C, p.Cys1307Arg (NM_001409305.1); short protein forms C1267R, C1418R, C1307R, C1558R.
Identifiers: ClinVar variation 4995913 (VCV004995913.1).

ClinVar aggregate classification (germline): Uncertain significance (1 of 4 stars; one submission).

Conditions:
NSD1-related disorder. Also called: NSD1-related condition.

Submission:

PreventionGenetics, part of Exact Sciences
Classification: Uncertain significance for NSD1-related condition. Last evaluated: 2025-08-10. Review status: criteria provided, single submitter. Criteria: ACMG Guidelines, 2015. Collection method: clinical testing. Allele origin: germline.
Comment: The NSD1 c.4672T>C variant is predicted to result in the amino acid substitution p.Cys1558Arg. This variant was reported in an individual with Sotos syndrome (Table S1, Testa et al. 2023. PubMed ID: 36833222). This variant has not been reported in a large population database (gnomAD), indicating this variant is rare. At this time, the clinical significance of this variant is uncertain due to the absence of conclusive functional and genetic evidence.